The following is an entry in ClinVar:

NM_000143.4(FH):c.305C>T (p.Ala102Val)

Gene: FH (fumarate hydratase; minus strand). Cytogenetic location: 1q43.
Variant type: single nucleotide variant.
Coding change: c.305C>T on transcript NM_000143.4 (MANE Select); coding-DNA position 305, C replaced by T.
Protein change: p.Ala102Val; replaces alanine 102 with valine.
Molecular consequence: missense variant.
Genome position (GRCh38, 1-based): chr1:241,513,676, G>A on the plus strand (C>T on the coding strand, the complement: FH is on the minus strand). VCF-style: chr1-241513676-G-A. GRCh37 (hg19) VCF-style: chr1-241676976-G-A.
Other names: short protein forms A102V.
Identifiers: ClinVar variation 185591 (VCV000185591.31), dbSNP rs61753295, ClinGen allele CA192361.
Genomic context (GRCh38, chr1:241,513,676, plus strand): 5'-TTCATTATTGCATTAGCAATCTTTGGATCAAGACCATAATCCTGGTTTACTTCAGCGGCC[G>A]CTCGCTTCAAGATGCCAAAAGCTTTAATAACTGGGGTCTAAAATTAATCAGAAAAATATT-3'
Protein context (NP_000134.2, residues 92-112): VIKAFGILKR[Ala102Val]AAEVNQDYGL

ClinVar aggregate classification (germline): Conflicting classifications of pathogenicity. Review status: criteria provided, conflicting classifications (1 of 4 stars). 8 submissions from 7 submitters: Uncertain significance (4); Likely benign (2). 2 of the submissions do not count toward it. Last evaluated 2025-12-03.

Conditions:
FH-related disorder. Also called: FH-related condition; FH-related disorders.
Hereditary cancer-predisposing syndrome. Also called: Tumor predisposition; Neoplastic Syndromes, Hereditary; Hereditary neoplastic syndrome; Hereditary Cancer Syndrome. Identifiers: Orphanet 140162, MedGen C0027672, MeSH D009386, MONDO:0015356.
Hereditary leiomyomatosis and renal cell cancer. Also called: MULTIPLE CUTANEOUS AND UTERINE LEIOMYOMATA 1, WITH OR WITHOUT RENAL CELL CARCINOMA; LEIOMYOMA, MULTIPLE CUTANEOUS; Reed syndrome; Multiple cutaneous and uterine leiomyomatosis; Cutaneous leiomyomata with uterine leiomyomata; Leiomyoma, hereditary multiple, of skin. Identifiers: Orphanet 523, MedGen C1708350, MONDO:0007888, OMIM 150800, HP:0007437. Disease mechanism: loss of function.
Fumarase deficiency (FMRD). Also called: Fumaric aciduria; Fumarate Hydratase Deficiency. Identifiers: Orphanet 24, MedGen C0342770, MONDO:0011730, OMIM 606812.

Allele frequency attached by ClinVar (database versions not stated): gnomAD exomes 0.00002 and 0.00003; TOPMed 0.00002; ESP Exome Variant Server 0.00008; gnomAD 0.00003; ExAC 0.00007.
gnomAD v4.1: 35 of 1,613,882 alleles (0.0022%); highest among the groups gnomAD compares: East Asian, 0.0067%; no homozygotes.

Submissions (8):

Labcorp Genetics (formerly Invitae), Labcorp
Classification: Uncertain significance. Last evaluated: 2025-12-03. Review status: criteria provided, single submitter. Criteria: Invitae Variant Classification Sherloc (09022015). Collection method: clinical testing. Allele origin: germline.
Comment: This sequence change replaces alanine, which is neutral and non-polar, with valine, which is neutral and non-polar, at codon 102 of the FH protein (p.Ala102Val). This variant is present in population databases (rs61753295, gnomAD 0.006%). This variant has not been reported in the literature in individuals affected with FH-related conditions. ClinVar contains an entry for this variant (Variation ID: 185591). Invitae Evidence Modeling of protein sequence and biophysical properties (such as structural, functional, and spatial information, amino acid conservation, physicochemical variation, residue mobility, and thermodynamic stability) indicates that this missense variant is expected to disrupt FH protein function with a positive predictive value of 95%. In summary, the available evidence is currently insufficient to determine the role of this variant in disease. Therefore, it has been classified as a Variant of Uncertain Significance.

Myriad Genetics, Inc.
Classification: Likely benign for Hereditary leiomyomatosis and renal cell cancer. Last evaluated: 2024-10-17. Review status: criteria provided, single submitter. Criteria: Myriad Autosomal Dominant, Autosomal Recessive and X-Linked Classification Criteria (2023). Collection method: clinical testing. Allele origin: unknown.
Comment: This variant is considered likely benign. This variant has been observed at a population frequency that is significantly greater than expected given the associated disease prevalence and penetrance.

GeneDx
Classification: Uncertain significance. Last evaluated: 2024-03-28. Review status: criteria provided, single submitter. Criteria: GeneDx Variant Classification Process June 2021. Collection method: clinical testing. Allele origin: germline. Affected: yes.
Comment: Not observed at significant frequency in large population cohorts (gnomAD); In silico analysis supports that this missense variant has a deleterious effect on protein structure/function; Observed in an individual with renal cell carcinoma (PMID: 20054297); This variant is associated with the following publications: (PMID: 18366737, 28873162, 20054297, 29641532)

Ambry Genetics
Classification: Uncertain significance for Hereditary cancer-predisposing syndrome. Last evaluated: 2024-02-12. Review status: criteria provided, single submitter. Criteria: Ambry Variant Classification Scheme 2023. Collection method: clinical testing. Allele origin: germline.
Comment: The p.A102V variant (also known as c.305C>T), located in coding exon 3 of the FH gene, results from a C to T substitution at nucleotide position 305. The alanine at codon 102 is replaced by valine, an amino acid with similar properties. This alteration was identified in a cohort of 1040 patients with advanced cancer; however, specific clinical information on this individual was not provided (Mandelker D et al. JAMA, 2017 09;318:825-835). This alteration was also identified in 1/1358 non-cancer control individuals and in 0/57 cases, in a study looking at cancer predisposition mutations in patients with cutaneous melanoma and a history of at least two additional non-cutaneous melanoma primary cancers (Pritchard AL et al. PLoS One, 2018 Apr;13:e0194098).This amino acid position is highly conserved in available vertebrate species. In addition, this alteration is predicted to be deleterious by in silico analysis. Based on the available evidence, the clinical significance of this alteration remains unclear.

Illumina Laboratory Services, Illumina
Classification: Likely benign for Hereditary leiomyomatosis and renal cell cancer. Last evaluated: 2018-01-12. Review status: criteria provided, single submitter. Criteria: ICSL Variant Classification Criteria 13 December 2019. Collection method: clinical testing. Allele origin: germline.
Comment: This variant was observed in the ICSL laboratory as part of a predisposition screen in an ostensibly healthy population. It had not been previously curated by ICSL or reported in the Human Gene Mutation Database (HGMD: prior to June 1st, 2018), and was therefore a candidate for classification through an automated scoring system. Utilizing variant allele frequency, disease prevalence and penetrance estimates, and inheritance mode, an automated score was calculated to assess if this variant is too frequent to cause the disease. Based on the score and internal cut-off values, a variant classified as likely benign is not then subjected to further curation. The score for this variant resulted in a classification of likely benign for this disease.

Illumina Laboratory Services, Illumina
Classification: Uncertain significance for Fumarase deficiency. Last evaluated: 2018-01-12. Review status: criteria provided, single submitter. Criteria: ICSL Variant Classification Criteria 13 December 2019. Collection method: clinical testing. Allele origin: germline.

PreventionGenetics, part of Exact Sciences
Classification: Uncertain significance for FH-related condition. Last evaluated: 2024-07-09. Review status: no assertion criteria provided. Collection method: clinical testing. Allele origin: germline. Not counted in ClinVar's aggregate classification.
Comment: The FH c.305C>T variant is predicted to result in the amino acid substitution p.Ala102Val. This variant has been reported in one individual from cohort of 1040 patients with advanced cancer but clinical information on this individual was not provided (Mandelker D et al. 2017. PubMed ID: 28873162). This variant is reported in 0.0062% of alleles in individuals of European (Non-Finnish) descent in gnomAD. This variant has conflicting interpretations in ClinVar from uncertain significance to likely benign. At this time, the clinical significance of this variant is uncertain due to the absence of conclusive functional and genetic evidence.

Natera, Inc.
Classification: Uncertain significance for Fumarase Deficiency. Last evaluated: 2020-08-27. Review status: no assertion criteria provided. Collection method: clinical testing. Allele origin: germline. Not counted in ClinVar's aggregate classification.

Literature cited by the submitters: PubMed 28873162 (cited by Ambry Genetics); PubMed 29641532 (cited by Ambry Genetics).